The following is an entry in ClinVar:

NM_002291.3(LAMB1):c.1652C>A (p.Thr551Asn)

Gene: LAMB1 (laminin subunit beta 1; minus strand). Cytogenetic location: 7q31.1.
Variant type: single nucleotide variant.
Coding change: c.1652C>A on transcript NM_002291.3 (MANE Select); coding-DNA position 1652, C replaced by A.
Protein change: p.Thr551Asn; replaces threonine 551 with asparagine.
Molecular consequence: missense variant.
Genome position (GRCh38, 1-based): chr7:107,964,598, G>T on the plus strand (C>A on the coding strand, the complement: LAMB1 is on the minus strand). VCF-style: chr7-107964598-G-T. GRCh37 (hg19) VCF-style: chr7-107605043-G-T.
Other names: short protein forms T551N.
Identifiers: ClinVar variation 4778976 (VCV004778976.1).
Genomic context (GRCh38, chr7:107,964,598, plus strand): 5'-ACTCCCCTACTCACAGGCCCCAAGTTGGCTTCCTCCGCTTCATAGAGGTAGTGATCCAGG[G>T]TGGCAAAGTAGTAACCAGGTTCCACTTCGTTGCACTGACGTCCAATCATGTGAGGCCGGC-3'
Protein context (NP_002282.2, residues 541-561): NEVEPGYYFA[Thr551Asn]LDHYLYEAEE

ClinVar aggregate classification (germline): Uncertain significance (1 of 4 stars; one submission).

gnomAD v4.1: 2 of 1,614,160 alleles (0.00012%); highest among the groups gnomAD compares: Admixed American, 0.0017%; no homozygotes.

Submission:

Labcorp Genetics (formerly Invitae), Labcorp
Classification: Uncertain significance. Last evaluated: 2025-12-11. Review status: criteria provided, single submitter. Criteria: Invitae Variant Classification Sherloc (09022015). Collection method: clinical testing. Allele origin: germline.
Comment: This sequence change replaces threonine, which is neutral and polar, with asparagine, which is neutral and polar, at codon 551 of the LAMB1 protein (p.Thr551Asn). This variant is present in population databases (no rsID available, gnomAD 0.003%). This variant has not been reported in the literature in individuals affected with LAMB1-related conditions. An algorithm developed to predict the effect of missense changes on protein structure and function (PolyPhen-2) suggests that this variant is likely to be tolerated. In summary, the available evidence is currently insufficient to determine the role of this variant in disease. Therefore, it has been classified as a Variant of Uncertain Significance.